The following is an entry in ClinVar:

NM_003873.7(NRP1):c.1389C>T (p.Arg463=)

Gene: NRP1 (neuropilin 1; minus strand). Cytogenetic location: 10p11.22.
Variant type: single nucleotide variant.
Coding change: c.1389C>T on transcript NM_003873.7 (MANE Select); coding-DNA position 1389, C replaced by T.
Protein change: p.Arg463=; no amino-acid change (arginine 463 retained).
Molecular consequence: synonymous variant. On other transcripts: non-coding transcript variant (1).
Genome position (GRCh38, 1-based): chr10:33,213,611, G>A on the plus strand (C>T on the coding strand, the complement: NRP1 is on the minus strand). VCF-style: chr10-33213611-G-A. GRCh37 (hg19) VCF-style: chr10-33502539-G-A.
Other names: c.1389C>T, p.Arg463= (NM_001024628.3, NM_001024629.3, NM_001244972.2 and 2 more transcripts).
Identifiers: ClinVar variation 5000260 (VCV005000260.1).

ClinVar aggregate classification (germline): Likely benign (1 of 4 stars; one submission).

Conditions:
NRP1-related disorder. Also called: NRP1-related condition.

Submission:

PreventionGenetics, part of Exact Sciences
Classification: Likely benign for NRP1-related condition. Last evaluated: 2024-10-14. Review status: criteria provided, single submitter. Criteria: ACMG Guidelines, 2015. Collection method: clinical testing. Allele origin: germline.
Comment: This variant is classified as likely benign based on ACMG/AMP sequence variant interpretation guidelines (Richards et al. 2015 PMID: 25741868, with internal and published modifications).